The following is an entry in ClinVar:

NM_139058.3(ARX):c.1515A>G (p.Thr505=)

Gene: ARX (aristaless related homeobox; minus strand). Cytogenetic location: Xp21.3.
Variant type: single nucleotide variant.
Coding change: c.1515A>G on transcript NM_139058.3 (MANE Select); coding-DNA position 1515, A replaced by G.
Protein change: p.Thr505=; no amino-acid change (threonine 505 retained).
Molecular consequence: synonymous variant.
Genome position (GRCh38, 1-based): chrX:25,004,844, T>C on the plus strand (A>G on the coding strand, the complement: ARX is on the minus strand). VCF-style: chrX-25004844-T-C. GRCh37 (hg19) VCF-style: chrX-25022961-T-C.
Identifiers: ClinVar variation 473007 (VCV000473007.44), dbSNP rs398124509, ClinGen allele CA10373773.
Genomic context (GRCh38, chrX:25,004,844, plus strand): 5'-TGCGGCCGCCGTGGCCGGGTCGGCCAGGGCGCCCGATGCCACTGCGCCCTCCACGGCGGG[T>C]GTGGGCTGTCTCAGGAGCGCGGCCGCGGTCGACGCGCTGGTCAGGGGGGCCATTGTGGAA-3'
Protein context (NP_620689.1, residues 495-515): STAAALLRQP[Thr505=]PAVEGAVASG

ClinVar aggregate classification (germline): Likely benign. Review status: criteria provided, multiple submitters, no conflicts (2 of 4 stars). 9 submissions from 9 submitters: Likely benign (6). 3 of the submissions do not count toward it. Last evaluated 2026-02-16.

Conditions:
Inborn genetic diseases. Identifiers: MedGen C0950123, MeSH D030342.
Developmental and epileptic encephalopathy, 1 (DEE1). Also called: X-linked infantile spasms; West's syndrome; Tonic spasms with clustering, arrest of psychomotor development and hypsarrhythmia on EEG; X-Linked Infantile Spasm Syndrome; OHTAHARA SYNDROME, X-LINKED; Epileptic encephalopathy, early infantile, 1. Identifiers: MedGen C3463992, MONDO:0010632, OMIM 308350. Disease mechanism: loss of function.
Intellectual disability, X-linked, with or without seizures, ARX-related. Also called: INTELLECTUAL DEVELOPMENTAL DISORDER, X-LINKED 29; MENTAL RETARDATION, X-LINKED 29; MENTAL RETARDATION, X-LINKED 32; MENTAL RETARDATION, X-LINKED 33; MENTAL RETARDATION, X-LINKED 38; MENTAL RETARDATION, X-LINKED 43. Identifiers: Orphanet 777, MedGen C0796244, MONDO:0010317, OMIM 300419.
ARX-related disorder. Also called: ARX-Related Disorders; ARX-related condition. Identifiers: MedGen CN378769.

Allele frequency attached by ClinVar (database versions not stated): ExAC 0.00015; gnomAD exomes 0.00018; TOPMed 0.00022; gnomAD 0.00025 and 0.00026.

Submissions (9):

Women's Health and Genetics/Laboratory Corporation of America, LabCorp
Classification: Likely benign. Last evaluated: 2026-02-16. Review status: criteria provided, single submitter. Criteria: LabCorp Variant Classification Summary - May 2015. Collection method: clinical testing. Allele origin: germline.

Labcorp Genetics (formerly Invitae), Labcorp
Classification: Likely benign for Developmental and epileptic encephalopathy, 1; Intellectual disability, X-linked, with or without seizures, ARX-related. Last evaluated: 2026-01-09. Review status: criteria provided, single submitter. Criteria: Invitae Variant Classification Sherloc (09022015). Collection method: clinical testing. Allele origin: germline.

Blueprint Genetics
Classification: Likely benign. Last evaluated: 2023-09-18. Review status: criteria provided, single submitter. Criteria: ACMG Guidelines, 2015. Collection method: clinical testing. Allele origin: germline.

CeGaT Center for Human Genetics Tuebingen
Classification: Likely benign. Last evaluated: 2022-08-01. Review status: criteria provided, single submitter. Criteria: CeGaT Center For Human Genetics Tuebingen Variant Classification Criteria Version 2. Collection method: clinical testing. Allele origin: germline. Affected: yes. Observed: 1 variant allele.
Comment: ARX: BP4, BP7

GeneDx
Classification: Likely benign. Last evaluated: 2021-01-20. Review status: criteria provided, single submitter. Criteria: GeneDx Variant Classification Process June 2021. Collection method: clinical testing. Allele origin: germline. Affected: yes.

Ambry Genetics
Classification: Likely benign for Inborn genetic diseases. Last evaluated: 2019-10-23. Review status: criteria provided, single submitter. Criteria: Ambry Variant Classification Scheme 2023. Collection method: clinical testing. Allele origin: germline.

PreventionGenetics, part of Exact Sciences
Classification: Likely benign for ARX-related condition. Last evaluated: 2019-03-04. Review status: no assertion criteria provided. Collection method: clinical testing. Allele origin: germline. Not counted in ClinVar's aggregate classification.
Comment: This variant is classified as likely benign based on ACMG/AMP sequence variant interpretation guidelines (Richards et al. 2015 PMID: 25741868, with internal and published modifications).

Clinical Genetics DNA and cytogenetics Diagnostics Lab, Erasmus MC, Erasmus Medical Center
Classification: Likely benign. Review status: no assertion criteria provided. Collection method: clinical testing. Allele origin: germline. Affected: yes. Study: VKGL Data-share Consensus. Not counted in ClinVar's aggregate classification.

Genome Diagnostics Laboratory, University Medical Center Utrecht
Classification: Likely benign. Review status: no assertion criteria provided. Collection method: clinical testing. Allele origin: germline. Affected: yes. Study: VKGL Data-share Consensus. Not counted in ClinVar's aggregate classification.